The following is an entry in ClinVar:

NM_000101.4(CYBA):c.403G>C (p.Glu135Gln)

Gene: CYBA (cytochrome b-245 alpha chain; minus strand). Cytogenetic location: 16q24.2.
Variant type: single nucleotide variant.
Coding change: c.403G>C on transcript NM_000101.4 (MANE Select); coding-DNA position 403, G replaced by C.
Protein change: p.Glu135Gln; replaces glutamic acid 135 with glutamine.
Molecular consequence: missense variant.
Genome position (GRCh38, 1-based): chr16:88,643,538, C>G on the plus strand (G>C on the coding strand, the complement: CYBA is on the minus strand). VCF-style: chr16-88643538-C-G. GRCh37 (hg19) VCF-style: chr16-88709946-C-G.
Other names: short protein forms E135Q.
Identifiers: ClinVar variation 1482768 (VCV001482768.8), dbSNP rs114610092, ClinGen allele CA397057763.
Genomic context (GRCh38, chr16:88,643,538, plus strand): 5'-GGTTGCTGGGCGGCTGCTTGATGGTGCCTCCGATCTGCGGCCGCTCCCGGGGCTTGGGCT[C>G]GATGGGCGTCCACTGCTCGCCACGCACAGCCGCCTGCGGGGCACTGAAGGGTTGAGCCGC-3'
Protein context (NP_000092.2, residues 125-145): AVRGEQWTPI[Glu135Gln]PKPRERPQIG

ClinVar aggregate classification (germline): Uncertain significance (1 of 4 stars; one submission).

Conditions:
Granulomatous disease, chronic, autosomal recessive, cytochrome b-negative. Also called: CGD DUE TO DEFICIENCY OF THE ALPHA SUBUNIT OF CYTOCHROME b; CGD, AUTOSOMAL RECESSIVE CYTOCHROME b-NEGATIVE; CYBA DEFICIENCY; GRANULOMATOUS DISEASE, CHRONIC, AUTOSOMAL RECESSIVE, 4; Chronic granulomatous disease, autosomal, due to deficiency of CYBA. Identifiers: Orphanet 379, MedGen C1856255, MONDO:0009308, OMIM 233690.

Submission:

Labcorp Genetics (formerly Invitae), Labcorp
Classification: Uncertain significance for Granulomatous disease, chronic, autosomal recessive, cytochrome b-negative. Last evaluated: 2020-12-11. Review status: criteria provided, single submitter. Criteria: Invitae Variant Classification Sherloc (09022015). Collection method: clinical testing. Allele origin: germline.
Comment: The frequency data for this variant in the population databases is considered unreliable, as metrics indicate insufficient coverage at this position in the ExAC database. This sequence change replaces glutamic acid with glutamine at codon 135 of the CYBA protein (p.Glu135Gln). The glutamic acid residue is highly conserved and there is a small physicochemical difference between glutamic acid and glutamine. In summary, the available evidence is currently insufficient to determine the role of this variant in disease. Therefore, it has been classified as a Variant of Uncertain Significance. Algorithms developed to predict the effect of missense changes on protein structure and function are either unavailable or do not agree on the potential impact of this missense change (SIFT: "Tolerated"; PolyPhen-2: "Probably Damaging"; Align-GVGD: "Class C0"). This variant has not been reported in the literature in individuals with CYBA-related conditions.